The following is an entry in ClinVar:

ClinVar aggregate classification (germline): Uncertain significance. Review status: criteria provided, multiple submitters, no conflicts (2 of 4 stars). 2 submissions from 2 submitters: Uncertain significance (2). Last evaluated 2025-04-17.

Conditions:
Hypertrophic cardiomyopathy. Also called: HYPERTROPHIC MYOCARDIOPATHY. Identifiers: Orphanet 217569, MedGen C0007194, MeSH D002312, MONDO:0005045, HP:0001639.

Allele frequency attached by ClinVar (database versions not stated): gnomAD exomes below 0.00001 and 0.00001.
gnomAD v4.1: 7 of 1,595,528 alleles (0.00044%); highest among the groups gnomAD compares: South Asian, 0.0023%; no homozygotes.

Submissions (2):

Labcorp Genetics (formerly Invitae), Labcorp
Classification: Uncertain significance for Hypertrophic cardiomyopathy. Last evaluated: 2025-04-17. Review status: criteria provided, single submitter. Criteria: Invitae Variant Classification Sherloc (09022015). Collection method: clinical testing. Allele origin: germline.
Comment: This sequence change replaces arginine, which is basic and polar, with cysteine, which is neutral and slightly polar, at codon 251 of the MYOM1 protein (p.Arg251Cys). This variant is present in population databases (no rsID available, gnomAD 0.004%). This variant has not been reported in the literature in individuals affected with MYOM1-related conditions. ClinVar contains an entry for this variant (Variation ID: 1016288). Invitae Evidence Modeling of protein sequence and biophysical properties (such as structural, functional, and spatial information, amino acid conservation, physicochemical variation, residue mobility, and thermodynamic stability) indicates that this missense variant is not expected to disrupt MYOM1 protein function with a negative predictive value of 80%. In summary, the available evidence is currently insufficient to determine the role of this variant in disease. Therefore, it has been classified as a Variant of Uncertain Significance.

Ambry Genetics
Classification: Uncertain significance. Last evaluated: 2024-09-30. Review status: criteria provided, single submitter. Criteria: Ambry Variant Classification Scheme 2023. Collection method: clinical testing. Allele origin: germline.
Comment: The p.R251C variant (also known as c.751C>T), located in coding exon 3 of the MYOM1 gene, results from a C to T substitution at nucleotide position 751. The arginine at codon 251 is replaced by cysteine, an amino acid with highly dissimilar properties. This amino acid position is conserved. In addition, this alteration is predicted to be tolerated by in silico analysis. Based on the available evidence, the clinical significance of this variant remains unclear.

NM_003803.4(MYOM1):c.751C>T (p.Arg251Cys)

Gene: MYOM1 (myomesin 1; minus strand). Cytogenetic location: 18p11.31.
Variant type: single nucleotide variant.
Coding change: c.751C>T on transcript NM_003803.4 (MANE Select); coding-DNA position 751, C replaced by T.
Protein change: p.Arg251Cys; replaces arginine 251 with cysteine.
Molecular consequence: missense variant.
Genome position (GRCh38, 1-based): chr18:3,188,768, G>A on the plus strand (C>T on the coding strand, the complement: MYOM1 is on the minus strand). VCF-style: chr18-3188768-G-A. GRCh37 (hg19) VCF-style: chr18-3188766-G-A.
Other names: c.751C>T (NM_003803.3); c.751C>T, p.Arg251Cys (NM_019856.2); short protein forms R251C.
Identifiers: ClinVar variation 1016288 (VCV001016288.9), dbSNP rs992528328, ClinGen allele CA295517505.